The following is an entry in ClinVar:

NM_000085.5(CLCNKB):c.1708_1734dup (p.Lys578_Tyr579insValValThrSerThrAspValAlaLys)

Genes: CLCNKB (chloride voltage-gated channel Kb; plus strand), LOC106501713 (CLCNKB recombination region; plus strand). Cytogenetic location: 1p36.13.
Variant type: Duplication.
Coding change: c.1708_1734dup on transcript NM_000085.5 (MANE Select); coding-DNA positions 1708 to 1734, 27 bases duplicated (GTTGTGACCTCCACAGACGTGGCCAAG).
Protein change: p.Lys578_Tyr579insValValThrSerThrAspValAlaLys.
Molecular consequence: inframe insertion.
Genome position (GRCh38, 1-based): chr1:16,053,724-16,053,750, GTTGTGACCTCCACAGACGTGGCCAAG duplicated; duplicating any 27 consecutive bases within chr1:16,053,720-16,053,750 gives the same sequence; the c. name uses the placement nearest the transcript's 3' end. VCF-style (leftmost placement, unchanged base first): chr1-16053719-T-TCAAGGTTGTGACCTCCACAGACGTGGC. GRCh37 (hg19) VCF-style: chr1-16380214-T-TCAAGGTTGTGACCTCCACAGACGTGGC.
Other names: c.1201_1227dup, p.Lys409_Tyr410insValValThrSerThrAspValAlaLys (NM_001165945.2).
Identifiers: ClinVar variation 2096568 (VCV002096568.4), dbSNP rs750123250, ClinGen allele CA623984.

ClinVar aggregate classification (germline): Uncertain significance (1 of 4 stars; one submission).

Submission:

Labcorp Genetics (formerly Invitae), Labcorp
Classification: Uncertain significance. Last evaluated: 2024-08-12. Review status: criteria provided, single submitter. Criteria: Invitae Variant Classification Sherloc (09022015). Collection method: clinical testing. Allele origin: germline.
Comment: This variant, c.1708_1734dup, results in the insertion of 9 amino acid(s) of the CLCNKB protein (p.Val570_Lys578dup), but otherwise preserves the integrity of the reading frame. This variant is present in population databases (rs750123250, gnomAD 0.002%). This variant has not been reported in the literature in individuals affected with CLCNKB-related conditions. ClinVar contains an entry for this variant (Variation ID: 2096568). In summary, the available evidence is currently insufficient to determine the role of this variant in disease. Therefore, it has been classified as a Variant of Uncertain Significance.